The following is an entry in ClinVar:

NM_001199138.2(NLRC4):c.443G>A (p.Arg148His)

Gene: NLRC4 (NLR family CARD domain containing 4; minus strand). Cytogenetic location: 2p22.3.
Variant type: single nucleotide variant.
Coding change: c.443G>A on transcript NM_001199138.2 (MANE Select); coding-DNA position 443, G replaced by A.
Protein change: p.Arg148His; replaces arginine 148 with histidine.
Molecular consequence: missense variant. On other transcripts: intron variant (1).
Genome position (GRCh38, 1-based): chr2:32,251,421, C>T on the plus strand (G>A on the coding strand, the complement: NLRC4 is on the minus strand). VCF-style: chr2-32251421-C-T. GRCh37 (hg19) VCF-style: chr2-32476490-C-T.
Other names: c.443G>A, p.Arg148His (NM_001199139.2, NM_021209.5); c.262+998G>A (NM_001302504.1); short protein forms R148H.
Identifiers: ClinVar variation 1018286 (VCV001018286.9), dbSNP rs377088692, ClinGen allele CA44753836.

ClinVar aggregate classification (germline): Uncertain significance. Review status: criteria provided, multiple submitters, no conflicts (2 of 4 stars). 2 submissions from 2 submitters: Uncertain significance (2). Last evaluated 2024-12-24.

Conditions:
Familial cold autoinflammatory syndrome 4 (FCAS4). Identifiers: Orphanet 47045, Orphanet 576349, MedGen C4015276, MONDO:0014498, OMIM 616115.
Periodic fever-infantile enterocolitis-autoinflammatory syndrome. Also called: Autoinflammation with infantile enterocolitis. Identifiers: Orphanet 436166, MedGen C4015067, MONDO:0014472, OMIM 616050.

Allele frequency attached by ClinVar (database versions not stated): gnomAD exomes below 0.00001; TOPMed 0.00002; gnomAD 0.00001; ESP Exome Variant Server 0.00008.
gnomAD v4.1: 10 of 1,613,938 alleles (0.00062%); highest among the groups gnomAD compares: East Asian, 0.0022%; no homozygotes.

Submissions (2):

Labcorp Genetics (formerly Invitae), Labcorp
Classification: Uncertain significance for Periodic fever-infantile enterocolitis-autoinflammatory syndrome; Familial cold autoinflammatory syndrome 4. Last evaluated: 2024-12-24. Review status: criteria provided, single submitter. Criteria: Invitae Variant Classification Sherloc (09022015). Collection method: clinical testing. Allele origin: germline.
Comment: This sequence change replaces arginine, which is basic and polar, with histidine, which is basic and polar, at codon 148 of the NLRC4 protein (p.Arg148His). This variant is present in population databases (rs377088692, gnomAD 0.0009%). This variant has not been reported in the literature in individuals affected with NLRC4-related conditions. ClinVar contains an entry for this variant (Variation ID: 1018286). Invitae Evidence Modeling of protein sequence and biophysical properties (such as structural, functional, and spatial information, amino acid conservation, physicochemical variation, residue mobility, and thermodynamic stability) has been performed for this missense variant. However, the output from this modeling did not meet the statistical confidence thresholds required to predict the impact of this variant on NLRC4 protein function. In summary, the available evidence is currently insufficient to determine the role of this variant in disease. Therefore, it has been classified as a Variant of Uncertain Significance.

Blueprint Genetics
Classification: Uncertain significance. Last evaluated: 2024-03-07. Review status: criteria provided, single submitter. Criteria: ACMG Guidelines, 2015. Collection method: clinical testing. Allele origin: germline.